The following is an entry in ClinVar:

ClinVar aggregate classification (germline): Likely benign (1 of 4 stars; one submission).

Allele frequency attached by ClinVar (database versions not stated): 1000 Genomes Project 30x 0.00016; 1000 Genomes Project 0.00020; ESP Exome Variant Server 0.00066; TOPMed 0.00080.
gnomAD v4.1: 2,150 of 1,613,802 alleles (0.13%); highest among the groups gnomAD compares: Non-Finnish European, 0.16%; 4 homozygotes.

Submission:

CeGaT Center for Human Genetics Tuebingen
Classification: Likely benign. Last evaluated: 2022-08-01. Review status: criteria provided, single submitter. Criteria: CeGaT Center For Human Genetics Tuebingen Variant Classification Criteria Version 2. Collection method: clinical testing. Allele origin: germline. Affected: yes. Observed: 1 variant allele.
Comment: AHRR: BP4, BP7

NM_001377236.1(AHRR):c.414G>A (p.Thr138=)

Genes: AHRR (aryl hydrocarbon receptor repressor; plus strand), PDCD6-AHRR (PDCD6-AHRR readthrough (NMD candidate); plus strand), LOC108251796 (AHRR intron CAGE-defined high expression enhancer; plus strand). Cytogenetic location: 5p15.33.
Variant type: single nucleotide variant.
Coding change: c.414G>A on transcript NM_001377236.1 (MANE Select); coding-DNA position 414, G replaced by A.
Protein change: p.Thr138=; no amino-acid change (threonine 138 retained).
Molecular consequence: synonymous variant. On other transcripts: non-coding transcript variant (2).
Genome position (GRCh38, 1-based): chr5:413,406, G>A. VCF-style: chr5-413406-G-A. GRCh37 (hg19) VCF-style: chr5-413521-G-A.
Other names: c.414G>A, p.Thr138= (NM_001377239.1).
Identifiers: ClinVar variation 2655243 (VCV002655243.24), dbSNP rs188075736, ClinGen allele CA3174024.
Genomic context (GRCh38, chr5:413,406, plus strand): 5'-TCTTAATGGCTTTGCTCTGGTCGTGAGTGCAGAAGGGACGATATTTTATGCATCAGCAAC[G>A]ATCGTGGACTATCTGGGCTTCCATCAGGTAAATGAAACCAGAATAGCCCTCCAGTCTGTT-3'
Protein context (NP_001364165.1, residues 128-148): AEGTIFYASA[Thr138=]IVDYLGFHQT